The following is an entry in ClinVar:

NM_004370.6(COL12A1):c.1984T>C (p.Tyr662His)

Gene: COL12A1 (collagen type XII alpha 1 chain; minus strand). Cytogenetic location: 6q13.
Variant type: single nucleotide variant.
Coding change: c.1984T>C on transcript NM_004370.6 (MANE Select); coding-DNA position 1984, T replaced by C.
Protein change: p.Tyr662His; replaces tyrosine 662 with histidine.
Molecular consequence: missense variant. On other transcripts: intron variant (2).
Genome position (GRCh38, 1-based): chr6:75,181,119, A>G on the plus strand (T>C on the coding strand, the complement: COL12A1 is on the minus strand). VCF-style: chr6-75181119-A-G. GRCh37 (hg19) VCF-style: chr6-75890835-A-G.
Other names: c.1984T>C, p.Tyr662His (NM_001424113.1, NM_001424114.1, NM_001424115.1); c.73+21601T>C (NM_001424116.1, NM_080645.3); short protein forms Y662H.
Identifiers: ClinVar variation 3748176 (VCV003748176.2).

ClinVar aggregate classification (germline): Uncertain significance (1 of 4 stars; one submission).

Conditions:
Ullrich congenital muscular dystrophy 2 (UCMD2). Identifiers: Orphanet 75840, MedGen C4225314, MONDO:0014654, OMIM 616470.
Bethlem myopathy 2 (BTHLM2). Identifiers: Orphanet 536516, Orphanet 610, MedGen C4225313, MONDO:0034022, OMIM 616471.

gnomAD v4.1: 3 of 1,614,048 alleles (0.00019%); highest among the groups gnomAD compares: South Asian, 0.0022%; no homozygotes.

Submission:

Labcorp Genetics (formerly Invitae), Labcorp
Classification: Uncertain significance for Bethlem myopathy 2; Ullrich congenital muscular dystrophy 2. Last evaluated: 2024-08-11. Review status: criteria provided, single submitter. Criteria: Invitae Variant Classification Sherloc (09022015). Collection method: clinical testing. Allele origin: germline.
Comment: This sequence change replaces tyrosine, which is neutral and polar, with histidine, which is basic and polar, at codon 662 of the COL12A1 protein (p.Tyr662His). This variant is not present in population databases (gnomAD no frequency). This variant has not been reported in the literature in individuals affected with COL12A1-related conditions. Advanced modeling of protein sequence and biophysical properties (such as structural, functional, and spatial information, amino acid conservation, physicochemical variation, residue mobility, and thermodynamic stability) performed at Invitae indicates that this missense variant is not expected to disrupt COL12A1 protein function with a negative predictive value of 80%. In summary, the available evidence is currently insufficient to determine the role of this variant in disease. Therefore, it has been classified as a Variant of Uncertain Significance.